The following is an entry in ClinVar:

ClinVar aggregate classification (germline): Likely pathogenic. Review status: criteria provided, multiple submitters, no conflicts (2 of 4 stars). 2 submissions from 2 submitters: Likely pathogenic (2). Last evaluated 2026-01-14.

Conditions:
Factor V deficiency. Also called: Reduced coagulation factor V activity. Identifiers: Orphanet 326, MedGen C4317320, MONDO:0020586, HP:0003225.
F5-related disorder. Also called: F5-related condition.

Allele frequency attached by ClinVar (database versions not stated): gnomAD exomes below 0.00001; gnomAD 0.00001; TOPMed 0.00002.
gnomAD v4.1: 4 of 1,613,972 alleles (0.00025%); highest among the groups gnomAD compares: African/African-American, 0.0013%; no homozygotes.

Submissions (2):

PreventionGenetics, part of Exact Sciences
Classification: Likely pathogenic for F5-related condition. Last evaluated: 2026-01-14. Review status: criteria provided, single submitter. Criteria: ACMG Guidelines, 2015. Collection method: clinical testing. Allele origin: germline.
Comment: The F5 c.1674C>A variant is predicted to result in premature protein termination (p.Tyr558*). To our knowledge, this variant has not been reported in the literature. This variant is reported in 0.011% of alleles in individuals of African descent in gnomAD. Nonsense variants in F5 are expected to be pathogenic. This variant is interpreted as likely pathogenic.

Laboratory for Molecular Medicine, Mass General Brigham Personalized Medicine
Classification: Likely pathogenic for Factor V deficiency. Last evaluated: 2018-08-14. Review status: criteria provided, single submitter. Criteria: LMM Criteria. Collection method: clinical testing. Allele origin: germline. Inheritance: Autosomal recessive inheritance. Observed: 1 variant allele.
Comment: The p.Tyr558X variant in F5 has not been reported in individuals with Factor V d eficiency, but has been identified in 1/8732 African chromosomes by the Genome A ggregation Database (gnomAD; dbSNP rs905672088 ). This nonsense variant leads to a premature termination codon at position 558, which is predicted to lead to a truncated or absent protein. Loss of function o f the F5 gene is an established disease mechanism in autosomal recessive Factor V deficiency. In summary, although additional studies are required to fully esta blish its clinical significance, this variant is likely pathogenic. ACMG/AMP Cri teria applied: PVS1; PM2.

NM_000130.5(F5):c.1674C>A (p.Tyr558Ter)

Gene: F5 (coagulation factor V; minus strand). Cytogenetic location: 1q24.2.
Variant type: single nucleotide variant.
Coding change: c.1674C>A on transcript NM_000130.5 (MANE Select); coding-DNA position 1674, C replaced by A.
Protein change: p.Tyr558Ter; replaces tyrosine 558 with a stop codon.
Molecular consequence: nonsense.
Genome position (GRCh38, 1-based): chr1:169,546,530, G>T on the plus strand (C>A on the coding strand, the complement: F5 is on the minus strand). VCF-style: chr1-169546530-G-T. GRCh37 (hg19) VCF-style: chr1-169515768-G-T.
Other names: short protein forms Y558*.
Identifiers: ClinVar variation 666966 (VCV000666966.5), dbSNP rs905672088, ClinGen allele CA32386528.